The following is an entry in ClinVar:

ClinVar aggregate classification (germline): Uncertain significance (1 of 4 stars; one submission).

Conditions:
Mitochondrial complex II deficiency, nuclear type 1. Also called: SUCCINATE CoQ REDUCTASE DEFICIENCY. Identifiers: Orphanet 3208, MedGen C5700310, MONDO:0100294, OMIM 252011.
Pheochromocytoma/paraganglioma syndrome 5. Also called: Paragangliomas 5; SDHA-Related Hereditary Paraganglioma-Pheochromocytoma Syndrome. Identifiers: Orphanet 29072, MedGen C3279992, MONDO:0013602, OMIM 614165.

Submission:

Labcorp Genetics (formerly Invitae), Labcorp
Classification: Uncertain significance for Pheochromocytoma/paraganglioma syndrome 5; Mitochondrial complex II deficiency, nuclear type 1. Last evaluated: 2024-08-13. Review status: criteria provided, single submitter. Criteria: Invitae Variant Classification Sherloc (09022015). Collection method: clinical testing. Allele origin: germline.
Comment: This sequence change replaces tryptophan, which is neutral and slightly polar, with arginine, which is basic and polar, at codon 22 of the SDHA protein (p.Trp22Arg). This variant is not present in population databases (gnomAD no frequency). This variant has not been reported in the literature in individuals affected with SDHA-related conditions. ClinVar contains an entry for this variant (Variation ID: 1347857). An algorithm developed to predict the effect of missense changes on protein structure and function outputs the following: PolyPhen-2: "Benign". The arginine amino acid residue is found in multiple mammalian species, which suggests that this missense change does not adversely affect protein function. In summary, the available evidence is currently insufficient to determine the role of this variant in disease. Therefore, it has been classified as a Variant of Uncertain Significance.

NM_004168.4(SDHA):c.64T>C (p.Trp22Arg)

Gene: SDHA (succinate dehydrogenase complex flavoprotein subunit A; plus strand). Cytogenetic location: 5p15.33.
Variant type: single nucleotide variant.
Coding change: c.64T>C on transcript NM_004168.4 (MANE Select); coding-DNA position 64, T replaced by C.
Protein change: p.Trp22Arg; replaces tryptophan 22 with arginine.
Molecular consequence: missense variant.
Genome position (GRCh38, 1-based): chr5:223,482, T>C. VCF-style: chr5-223482-T-C. GRCh37 (hg19) VCF-style: chr5-223597-T-C.
Other names: c.64T>C, p.Trp22Arg (NM_001294332.2, NM_001330758.2); short protein forms W22R.
Identifiers: ClinVar variation 1347857 (VCV001347857.8), dbSNP rs2126539375, ClinGen allele CA359008059.